The following is an entry in ClinVar:

ClinVar aggregate classification (germline): Likely benign. Review status: criteria provided, multiple submitters, no conflicts (2 of 4 stars). 2 submissions from 2 submitters: Likely benign (2). Last evaluated 2026-09-21.

Conditions:
FHOD3-related disorder. Also called: FHOD3-related condition.

gnomAD v4.1: 54 of 1,596,878 alleles (0.0034%); highest among the groups gnomAD compares: African/African-American, 0.067%; no homozygotes.

Submissions (2):

Molecular Diagnostic Laboratory for Inherited Cardiovascular Disease, Montreal Heart Institute
Classification: Likely benign. Last evaluated: 2026-09-21. Review status: criteria provided, single submitter. Criteria: ACMG Guidelines, 2015. Collection method: clinical testing. Allele origin: germline. Affected: no.
Comment: BP7

PreventionGenetics, part of Exact Sciences
Classification: Likely benign for FHOD3-related condition. Last evaluated: 2026-03-31. Review status: criteria provided, single submitter. Criteria: ACMG Guidelines, 2015. Collection method: clinical testing. Allele origin: germline.
Comment: This variant is classified as likely benign based on ACMG/AMP sequence variant interpretation guidelines (Richards et al. 2015 PMID: 25741868, with internal and published modifications).

NM_001281740.3(FHOD3):c.1779T>C (p.Ser593=)

Gene: FHOD3 (formin homology 2 domain containing 3; plus strand). Cytogenetic location: 18q12.2.
Variant type: single nucleotide variant.
Coding change: c.1779T>C on transcript NM_001281740.3 (MANE Select); coding-DNA position 1779, T replaced by C.
Protein change: p.Ser593=; no amino-acid change (serine 593 retained).
Molecular consequence: synonymous variant.
Genome position (GRCh38, 1-based): chr18:36,658,132, T>C. VCF-style: chr18-36658132-T-C. GRCh37 (hg19) VCF-style: chr18-34238095-T-C.
Other names: c.1254T>C, p.Ser418= (NM_001281739.3, NM_025135.5).
Identifiers: ClinVar variation 4980241 (VCV004980241.2), dbSNP rs141910979.